The following is an entry in ClinVar:

NM_033159.4(HYAL1):c.1103G>A (p.Arg368His)

Gene: HYAL1 (hyaluronidase 1; minus strand). Cytogenetic location: 3p21.31.
Variant type: single nucleotide variant.
Coding change: c.1103G>A on transcript NM_033159.4 (MANE Select); coding-DNA position 1103, G replaced by A.
Protein change: p.Arg368His; replaces arginine 368 with histidine.
Molecular consequence: missense variant. On other transcripts: non-coding transcript variant (1).
Genome position (GRCh38, 1-based): chr3:50,300,688, C>T on the plus strand (G>A on the coding strand, the complement: HYAL1 is on the minus strand). VCF-style: chr3-50300688-C-T. GRCh37 (hg19) VCF-style: chr3-50338119-C-T.
Other names: c.1103G>A, p.Arg368His (NM_007312.3, NM_153281.2); c.1013G>A, p.Arg338His (NM_153282.3); c.557G>A, p.Arg186His (NM_153283.3); c.326G>A, p.Arg109His (NM_153285.3); c.1103G>A (NM_153281.1); short protein forms R338H, R368H, R109H, R186H.
Identifiers: ClinVar variation 2197621 (VCV002197621.2), dbSNP rs201665337, ClinGen allele CA2415732.
Genomic context (GRCh38, chr3:50,300,688, plus strand): 5'-GAGAAACTGGCAGGGTTAAGGAGGAGGAGGGCTTTGGGGTGGCTGGTGCGGCGGACACAG[C>T]GGCCATGGCCGGAGCACAGGGCTTGACTGCAGAGAAGGGCCCCACTGGTCACGTTCAGGA-3'
Protein context (NP_149349.2, residues 358-378): CSQALCSGHG[Arg368His]CVRRTSHPKA

ClinVar aggregate classification (germline): Uncertain significance. Review status: criteria provided, multiple submitters, no conflicts (2 of 4 stars). 2 submissions from 2 submitters: Uncertain significance (2). Last evaluated 2024-12-02.

Conditions:
HYAL1-related disorder. Also called: HYAL1-related condition.
Deficiency of hyaluronoglucosaminidase (MPS9). Also called: HYALURONIDASE DEFICIENCY; Mucopolysaccharidosis type 9; MPS IX. Identifiers: Orphanet 67041, MedGen C1291490, MONDO:0011093, OMIM 601492.

Allele frequency attached by ClinVar (database versions not stated): gnomAD 0.00005; TOPMed 0.00006.
gnomAD v4.1: 59 of 1,613,596 alleles (0.0037%); highest among the groups gnomAD compares: Admixed American, 0.022%; no homozygotes.

Submissions (2):

PreventionGenetics, part of Exact Sciences
Classification: Uncertain significance for HYAL1-related condition. Last evaluated: 2024-12-02. Review status: criteria provided, single submitter. Criteria: ACMG Guidelines, 2015. Collection method: clinical testing. Allele origin: germline.
Comment: The HYAL1 c.1103G>A variant is predicted to result in the amino acid substitution p.Arg368His. To our knowledge, this variant has not been reported in the literature. This variant is reported in 0.028% of alleles in individuals of Latino descent in gnomAD. At this time, the clinical significance of this variant is uncertain due to the absence of conclusive functional and genetic evidence.

Labcorp Genetics (formerly Invitae), Labcorp
Classification: Uncertain significance for Deficiency of hyaluronoglucosaminidase. Last evaluated: 2021-09-01. Review status: criteria provided, single submitter. Criteria: Invitae Variant Classification Sherloc (09022015). Collection method: clinical testing. Allele origin: germline.
Comment: This sequence change replaces arginine with histidine at codon 368 of the HYAL1 protein (p.Arg368His). The arginine residue is highly conserved and there is a small physicochemical difference between arginine and histidine. This variant is present in population databases (rs201665337, ExAC 0.03%). This variant has not been reported in the literature in individuals affected with HYAL1-related conditions. Algorithms developed to predict the effect of missense changes on protein structure and function are either unavailable or do not agree on the potential impact of this missense change (SIFT: "Deleterious"; PolyPhen-2: "Possibly Damaging"; Align-GVGD: "Class C0"). In summary, the available evidence is currently insufficient to determine the role of this variant in disease. Therefore, it has been classified as a Variant of Uncertain Significance.